The following is an entry in ClinVar:

ClinVar aggregate classification (germline): Likely benign (1 of 4 stars; one submission).

gnomAD v4.1: 74 of 1,613,760 alleles (0.0046%); highest among the groups gnomAD compares: Non-Finnish European, 0.0058%; no homozygotes.

Submission:

CeGaT Center for Human Genetics Tuebingen
Classification: Likely benign. Last evaluated: 2025-04-01. Review status: criteria provided, single submitter. Criteria: CeGaT Center For Human Genetics Tuebingen Variant Classification Criteria Version 2. Collection method: clinical testing. Allele origin: germline. Affected: yes. Observed: 1 variant allele.
Comment: ZFHX4: BS2

NM_024721.5(ZFHX4):c.3682G>A (p.Asp1228Asn)

Gene: ZFHX4 (zinc finger homeobox 4; plus strand). Cytogenetic location: 8q21.13.
Variant type: single nucleotide variant.
Coding change: c.3682G>A on transcript NM_024721.5 (MANE Select); coding-DNA position 3682, G replaced by A.
Protein change: p.Asp1228Asn; replaces aspartic acid 1228 with asparagine.
Molecular consequence: missense variant.
Genome position (GRCh38, 1-based): chr8:76,849,548, G>A. VCF-style: chr8-76849548-G-A. GRCh37 (hg19) VCF-style: chr8-77761784-G-A.
Other names: c.3604G>A, p.Asp1202Asn (NM_001410934.1); short protein forms D1202N, D1228N.
Identifiers: ClinVar variation 3905508 (VCV003905508.10).
Genomic context (GRCh38, chr8:76,849,548, plus strand): 5'-CCATGTTTATTCAATATTTTCCAGTTCTATCAATGTCCTTATTGTAACTACAATAGTAGG[G>A]ACCAAAGTCGTATCCAGATGCACGTCCTATCACAGCACTCGGTGCAGCCGGTCATCTGCT-3'
Protein context (NP_078997.4, residues 1218-1238): QCPYCNYNSR[Asp1228Asn]QSRIQMHVLS